The following is an entry in ClinVar:

ClinVar aggregate classification (germline): Pathogenic. Review status: criteria provided, multiple submitters, no conflicts (2 of 4 stars). 2 submissions from 2 submitters: Pathogenic (2). Last evaluated 2024-04-10.

Conditions:
Chuvash polycythemia. Also called: POLYCYTHEMIA, VHL-DEPENDENT. Identifiers: Orphanet 238557, MedGen C1837915, MONDO:0009892, OMIM 263400.
Von Hippel-Lindau syndrome (VHLS). Also called: Von Hippel-Lindau; von Hippel–Lindau syndrome; VHL syndrome. Identifiers: Orphanet 892, MedGen C0019562, MONDO:0008667, OMIM 193300. Disease mechanism: loss of function.

Submissions (3):

Labcorp Genetics (formerly Invitae), Labcorp
Classification: Pathogenic for Von Hippel-Lindau syndrome; Chuvash polycythemia. Last evaluated: 2024-04-10. Review status: criteria provided, single submitter. Criteria: Invitae Variant Classification Sherloc (09022015). Collection method: clinical testing. Allele origin: germline.
Comment: This sequence change affects an acceptor splice site in intron 1 of the VHL gene. It is expected to disrupt RNA splicing. Variants that disrupt the donor or acceptor splice site typically lead to a loss of protein function (PMID: 16199547), and loss-of-function variants in VHL are known to be pathogenic (PMID: 8956040, 12202531). This variant is not present in population databases (gnomAD no frequency). Disruption of this splice site has been observed in individuals with clinical features of VHL-related conditions and/or von Hippel-Lindau syndrome (PMID: 17024664, 27539324; Invitae). ClinVar contains an entry for this variant (Variation ID: 2034796). Algorithms developed to predict the effect of sequence changes on RNA splicing suggest that this variant may disrupt the consensus splice site. For these reasons, this variant has been classified as Pathogenic.

Myriad Genetics, Inc.
Classification: Pathogenic for Von Hippel-Lindau syndrome. Last evaluated: 2023-10-09. Review status: criteria provided, single submitter. Criteria: Myriad Autosomal Dominant, Autosomal Recessive and X-Linked Classification Criteria (2023). Collection method: clinical testing. Allele origin: unknown.
Comment: This variant is considered pathogenic. This variant occurs within a consensus splice junction and is predicted to result in abnormal mRNA splicing of either an out-of-frame exon or an in-frame exon necessary for protein stability and/or normal function. This variant has been reported in multiple individuals with clinical features of gene-specific disease [PIMD: 20567917, 17661816, 31368132, 17024664]. mRNA analysis has demonstrated abnormal mRNA splicing occurs [PMID: 20567917].

Dr. Peter K. Rogan Lab, Western University
No classification provided (evidence only). Condition: Clear cell carcinoma of kidney. Review status: no classification provided. Collection method: in vitro. Allele origin: not applicable. Functional consequence: skipped exon. Not counted in ClinVar's aggregate classification.

Literature cited by the submitters: PubMed 16199547 (cited by Labcorp Genetics (formerly Invitae), Labcorp); PubMed 8956040 (cited by Labcorp Genetics (formerly Invitae), Labcorp); PubMed 12202531 (cited by Labcorp Genetics (formerly Invitae), Labcorp); PubMed 17024664 (cited by Labcorp Genetics (formerly Invitae), Labcorp and Myriad Genetics, Inc.); PubMed 27539324 (cited by Labcorp Genetics (formerly Invitae), Labcorp); PubMed 20567917 (cited by Myriad Genetics, Inc.); PubMed 17661816 (cited by Myriad Genetics, Inc.); PubMed 31368132 (cited by Myriad Genetics, Inc.).

NM_000551.4(VHL):c.341-2A>T

Genes: VHL (von Hippel-Lindau tumor suppressor; plus strand), LOC107303340 (3p25 von Hippel-Lindau tumor suppressor, E3 ubiquitin protein ligase Alu-mediated recombination region; plus strand). Cytogenetic location: 3p25.3.
Variant type: single nucleotide variant.
Coding change: c.341-2A>T on transcript NM_000551.4 (MANE Select); the canonical splice acceptor site of the intron before coding-DNA position 341, A replaced by T.
Molecular consequence: splice acceptor variant. On other transcripts: intron variant (2).
Genome position (GRCh38, 1-based): chr3:10,146,512, A>T. VCF-style: chr3-10146512-A-T. GRCh37 (hg19) VCF-style: chr3-10188196-A-T.
Other names: c.*18-3275A>T (NM_001354723.2); c.341-3275A>T (NM_198156.3).
Identifiers: ClinVar variation 2034796 (VCV002034796.6), dbSNP rs869025637, ClinGen allele CA351753586.
Genomic context (GRCh38, chr3:10,146,512, plus strand): 5'-GTGTGGGCCACCGTGCCCAGCCACCGGTGTGGCTCTTTAACAACCTTTGCTTGTCCCGAT[A>T]GGTCACCTTTGGCTCTTCAGAGATGCAGGGACACACGATGGGCTTCTGGTTAACCAAACT-3'